The following is an entry in ClinVar:

NM_001267550.2(TTN):c.2682T>C (p.Ala894=)

Gene: TTN (titin; minus strand). Cytogenetic location: 2q31.2.
Variant type: single nucleotide variant.
Coding change: c.2682T>C on transcript NM_001267550.2 (MANE Select); coding-DNA position 2682, T replaced by C.
Protein change: p.Ala894=; no amino-acid change (alanine 894 retained).
Molecular consequence: synonymous variant.
Genome position (GRCh38, 1-based): chr2:178,784,163, A>G on the plus strand (T>C on the coding strand, the complement: TTN is on the minus strand). VCF-style: chr2-178784163-A-G. GRCh37 (hg19) VCF-style: chr2-179648890-A-G.
Other names: c.2682T>C, p.Ala894= (NM_133378.4, NM_001256850.1, NM_133379.5); c.2544T>C, p.Ala848= (NM_003319.4, NM_133432.3, NM_133437.4).
Identifiers: ClinVar variation 180033 (VCV000180033.5), dbSNP rs727505299, ClinGen allele CA185680.

ClinVar aggregate classification (germline): Likely benign (1 of 4 stars; one submission).

Submission:

Laboratory for Molecular Medicine, Mass General Brigham Personalized Medicine
Classification: Likely benign. Last evaluated: 2014-10-01. Review status: criteria provided, single submitter. Criteria: LMM Criteria. Collection method: clinical testing. Allele origin: germline. Observed: 1 variant allele.
Comment: p.Ala894Ala in exon 16 of TTN: This variant is not expected to have clinical sig nificance because it does not alter an amino acid residue and is not located wit hin the splice consensus sequence.